The following is an entry in ClinVar:

NM_017721.5(CC2D1A):c.1620_1623dup (p.Pro542fs)

Gene: CC2D1A (coiled-coil and C2 domain containing 1A; plus strand). Cytogenetic location: 19p13.12.
Variant type: Duplication.
Coding change: c.1620_1623dup on transcript NM_017721.5 (MANE Select); coding-DNA positions 1620 to 1623, 4 bases duplicated (GCTG; older notation c.1620_1623dupGCTG).
Protein change: p.Pro542fs; shifts the reading frame from proline 542.
Molecular consequence: frameshift variant.
Genome position (GRCh38, 1-based): chr19:13,920,901-13,920,904, GCTG duplicated; duplicating any 4 consecutive bases within chr19:13,920,900-13,920,904 gives the same sequence; the c. name uses the placement nearest the transcript's 3' end. VCF-style (leftmost placement, unchanged base first): chr19-13920899-G-GGGCT. GRCh37 (hg19) VCF-style: chr19-14031712-G-GGGCT.
Other names: short protein forms P542fs.
Identifiers: ClinVar variation 982864 (VCV000982864.1), dbSNP rs1971392241, ClinGen allele CA1139666307.

ClinVar aggregate classification (germline): Likely pathogenic (1 of 4 stars; one submission).

Conditions:
Intellectual developmental disorder, autosomal recessive 3. Also called: Intellectual disability, autosomal recessive 3. Identifiers: Orphanet 88616, MedGen C1838023, MONDO:0012037, OMIM 608443.

Submission:

Institute of Human Genetics, University of Leipzig Medical Center
Classification: Likely pathogenic for Intellectual developmental disorder, autosomal recessive 3. Last evaluated: 2019-01-01. Review status: criteria provided, single submitter. Criteria: ACMG Guidelines, 2015. Collection method: clinical testing. Allele origin: unknown. Affected: yes.
Comment: This variant was identified as compound heterozygous.